The following is an entry in ClinVar:

NM_014218.3(KIR2DL1):c.339T>G (p.Ala113=)

Gene: KIR2DL1 (killer cell immunoglobulin like receptor, two Ig domains and long cytoplasmic tail 1). Cytogenetic location: 19q13.42.
Variant type: single nucleotide variant.
Coding change: c.339T>G on transcript NM_014218.3 (MANE Select); coding-DNA position 339, T replaced by G.
Protein change: p.Ala113=; no amino-acid change (alanine 113 retained).
Molecular consequence: synonymous variant.
Genome position (GRCh38, 1-based): chr19:54,773,601, T>G. VCF-style: chr19-54773601-T-G. GRCh37 (hg19) VCF-style: chr19-55285053-T-G.
Identifiers: ClinVar variation 2650464 (VCV002650464.24), dbSNP rs76991396, ClinGen allele CA309884793.
Genomic context (GRCh38, chr19:54,773,601, plus strand): 5'-CCTGGCAGGGACCTACAGATGCTACGGTTCTGTTACTCACTCCCCCTATCAGGTGTCAGC[T>G]CCCAGTGACCCTCTGGACATCGTGATCATAGGTGAGAGTGTCCAGACTTTCTTCTCATTG-3'
Protein context (NP_055033.2, residues 103-123): SVTHSPYQVS[Ala113=]PSDPLDIVII

ClinVar aggregate classification (germline): Likely benign (1 of 4 stars; one submission).

Submission:

CeGaT Center for Human Genetics Tuebingen
Classification: Likely benign. Last evaluated: 2023-08-01. Review status: criteria provided, single submitter. Criteria: CeGaT Center For Human Genetics Tuebingen Variant Classification Criteria Version 2. Collection method: clinical testing. Allele origin: germline. Affected: yes. Observed: 1 variant allele.
Comment: KIR2DL1: BP4, BP7